The following is an entry in ClinVar:

ClinVar aggregate classification (germline): Uncertain significance (1 of 4 stars; one submission).

Conditions:
Charcot-Marie-Tooth disease type 4. Also called: Charcot-Marie-Tooth, Type 4; Charcot-Marie-Tooth disease, type IV. Identifiers: Orphanet 64749, MedGen C4082197, MONDO:0018995.

Allele frequency attached by ClinVar (database versions not stated): gnomAD 0.00001; TOPMed 0.00004; ExAC 0.00005; gnomAD exomes 0.00005 and 0.00010.
gnomAD v4.1: 30 of 1,612,620 alleles (0.0019%); highest among the groups gnomAD compares: Admixed American, 0.045%; no homozygotes.

Submission:

Labcorp Genetics (formerly Invitae), Labcorp
Classification: Uncertain significance for Charcot-Marie-Tooth disease type 4. Last evaluated: 2021-11-15. Review status: criteria provided, single submitter. Criteria: Invitae Variant Classification Sherloc (09022015). Collection method: clinical testing. Allele origin: germline.
Comment: This sequence change replaces alanine, which is neutral and non-polar, with threonine, which is neutral and polar, at codon 1170 of the PRX protein (p.Ala1170Thr). This variant is present in population databases (rs759410504, gnomAD 0.07%). This variant has not been reported in the literature in individuals affected with PRX-related conditions. ClinVar contains an entry for this variant (Variation ID: 656469). Algorithms developed to predict the effect of missense changes on protein structure and function are either unavailable or do not agree on the potential impact of this missense change (SIFT: "Tolerated"; PolyPhen-2: "Possibly Damaging"; Align-GVGD: "Class C0"). In summary, the available evidence is currently insufficient to determine the role of this variant in disease. Therefore, it has been classified as a Variant of Uncertain Significance.

NM_181882.3(PRX):c.3508G>A (p.Ala1170Thr)

Gene: PRX (periaxin; minus strand). Cytogenetic location: 19q13.2.
Variant type: single nucleotide variant.
Coding change: c.3508G>A on transcript NM_181882.3 (MANE Select); coding-DNA position 3508, G replaced by A.
Protein change: p.Ala1170Thr; replaces alanine 1170 with threonine.
Molecular consequence: missense variant. On other transcripts: 3 prime UTR variant (1).
Genome position (GRCh38, 1-based): chr19:40,394,844, C>T on the plus strand (G>A on the coding strand, the complement: PRX is on the minus strand). VCF-style: chr19-40394844-C-T. GRCh37 (hg19) VCF-style: chr19-40900751-C-T.
Other names: c.*3713G>A (NM_020956.2); short protein forms A1170T.
Identifiers: ClinVar variation 656469 (VCV000656469.6), dbSNP rs759410504, ClinGen allele CA9443843.
Genomic context (GRCh38, chr19:40,394,844, plus strand): 5'-CCTGGGGCACCTGAACCCTGTAGCCTGCTGTGCCCTCTGCTGAAGGGACTGTACTCTGAG[C>T]CTGCTGCCCTGGGGTACCTGCCTCCCCAAAGCCGGTCAGCTCCACCTGTGGCAGGGAGAT-3'
Protein context (NP_870998.2, residues 1160-1180): FGEAGTPGQQ[Ala1170Thr]QSTVPSAEGT